The following is an entry in ClinVar:

ClinVar aggregate classification (germline): Uncertain significance (1 of 4 stars; one submission).

Submission:

Labcorp Genetics (formerly Invitae), Labcorp
Classification: Uncertain significance. Last evaluated: 2021-08-04. Review status: criteria provided, single submitter. Criteria: Invitae Variant Classification Sherloc (09022015). Collection method: clinical testing. Allele origin: germline.
Comment: This variant results in a copy number gain of the genomic region encompassing exon(s) 47 of the COL4A5 gene. While the exact position of this variant cannot be determined from the data, sub-genic copy number gains are generally in tandem (PMID: 25640679). This variant is predicted to be in-frame, and likely preserves the integrity of the reading frame. This variant has not been reported in the literature in individuals with COL4A5-related conditions. In summary, the available evidence is currently insufficient to determine the role of this variant in disease. Therefore, it has been classified as a Variant of Uncertain Significance.

Literature cited by the submitters: PubMed 25640679.

NC_000023.10:g.(?_107930692)_(107930944_?)dup

Gene: COL4A5 (collagen type IV alpha 5 chain; plus strand). Cytogenetic location: Xq22.3.
Variant type: Duplication.
Identifiers: ClinVar variation 2423176 (VCV002423176.3).